The following is an entry in ClinVar:

ClinVar aggregate classification (germline): Uncertain significance (1 of 4 stars; one submission).

Allele frequency attached by ClinVar (database versions not stated): gnomAD exomes below 0.00001; TOPMed 0.00001; gnomAD 0.00003.
gnomAD v4.1: 11 of 1,614,046 alleles (0.00068%); highest among the groups gnomAD compares: Non-Finnish European, 0.00042%; no homozygotes.

Submission:

Labcorp Genetics (formerly Invitae), Labcorp
Classification: Uncertain significance. Last evaluated: 2022-05-15. Review status: criteria provided, single submitter. Criteria: Invitae Variant Classification Sherloc (09022015). Collection method: clinical testing. Allele origin: germline.
Comment: In summary, the available evidence is currently insufficient to determine the role of this variant in disease. Therefore, it has been classified as a Variant of Uncertain Significance. Algorithms developed to predict the effect of missense changes on protein structure and function are either unavailable or do not agree on the potential impact of this missense change (SIFT: "Not Available"; PolyPhen-2: "Benign"; Align-GVGD: "Not Available"). This variant has not been reported in the literature in individuals affected with ADAMTS17-related conditions. This variant is present in population databases (no rsID available, gnomAD 0.008%). This sequence change replaces threonine, which is neutral and polar, with alanine, which is neutral and non-polar, at codon 205 of the ADAMTS17 protein (p.Thr205Ala).

NM_139057.4(ADAMTS17):c.613A>G (p.Thr205Ala)

Gene: ADAMTS17 (ADAM metallopeptidase with thrombospondin type 1 motif 17; minus strand). Cytogenetic location: 15q26.3.
Variant type: single nucleotide variant.
Coding change: c.613A>G on transcript NM_139057.4 (MANE Select); coding-DNA position 613, A replaced by G.
Protein change: p.Thr205Ala; replaces threonine 205 with alanine.
Molecular consequence: missense variant.
Genome position (GRCh38, 1-based): chr15:100,330,892, T>C on the plus strand (A>G on the coding strand, the complement: ADAMTS17 is on the minus strand). VCF-style: chr15-100330892-T-C. GRCh37 (hg19) VCF-style: chr15-100871097-T-C.
Other names: short protein forms T205A.
Identifiers: ClinVar variation 1978302 (VCV001978302.4), dbSNP rs1417073301, ClinGen allele CA394521114.